The following is an entry in ClinVar:

NM_003331.5(TYK2):c.1621G>A (p.Gly541Arg)

Gene: TYK2 (tyrosine kinase 2; minus strand). Cytogenetic location: 19p13.2.
Variant type: single nucleotide variant.
Coding change: c.1621G>A on transcript NM_003331.5 (MANE Select); coding-DNA position 1621, G replaced by A.
Protein change: p.Gly541Arg; replaces glycine 541 with arginine.
Molecular consequence: missense variant.
Genome position (GRCh38, 1-based): chr19:10,362,312, C>T on the plus strand (G>A on the coding strand, the complement: TYK2 is on the minus strand). VCF-style: chr19-10362312-C-T. GRCh37 (hg19) VCF-style: chr19-10472988-C-T.
Other names: short protein forms G541R.
Identifiers: ClinVar variation 837830 (VCV000837830.8), dbSNP rs768654573, ClinGen allele CA9193365.

ClinVar aggregate classification (germline): Uncertain significance. Review status: criteria provided, multiple submitters, no conflicts (2 of 4 stars). 3 submissions from 3 submitters: Uncertain significance (3). Last evaluated 2022-10-20.

Conditions:
Immunodeficiency 35 (IMD35). Also called: HIES WITH ATYPICAL MYCOBACTERIOSIS, AUTOSOMAL RECESSIVE; HYPER-IgE SYNDROME WITH ATYPICAL MYCOBACTERIOSIS, AUTOSOMAL RECESSIVE; Susceptibility to infection due to TYK2 deficiency; TYK2 DEFICIENCY. Identifiers: Orphanet 331226, MedGen C1969086, MONDO:0012682, OMIM 611521.

Allele frequency attached by ClinVar (database versions not stated): ExAC 0.00006; gnomAD exomes 0.00007; TOPMed 0.00008.
gnomAD v4.1: 39 of 1,614,044 alleles (0.0024%); highest among the groups gnomAD compares: East Asian, 0.051%; no homozygotes.

Submissions (3):

Blueprint Genetics
Classification: Uncertain significance. Last evaluated: 2022-10-20. Review status: criteria provided, single submitter. Criteria: ACMG Guidelines, 2015. Collection method: clinical testing. Allele origin: germline.

Labcorp Genetics (formerly Invitae), Labcorp
Classification: Uncertain significance for Immunodeficiency 35. Last evaluated: 2022-02-04. Review status: criteria provided, single submitter. Criteria: Invitae Variant Classification Sherloc (09022015). Collection method: clinical testing. Allele origin: germline.
Comment: This sequence change replaces glycine, which is neutral and non-polar, with arginine, which is basic and polar, at codon 541 of the TYK2 protein (p.Gly541Arg). This variant is present in population databases (rs768654573, gnomAD 0.1%). This variant has not been reported in the literature in individuals affected with TYK2-related conditions. ClinVar contains an entry for this variant (Variation ID: 837830). Algorithms developed to predict the effect of missense changes on protein structure and function are either unavailable or do not agree on the potential impact of this missense change (SIFT: "Not Available"; PolyPhen-2: "Probably Damaging"; Align-GVGD: "Not Available"). In summary, the available evidence is currently insufficient to determine the role of this variant in disease. Therefore, it has been classified as a Variant of Uncertain Significance.

Breakthrough Genomics
Classification: Uncertain significance. Review status: criteria provided, single submitter. Criteria: ACMG Guidelines, 2015. Collection method: not provided. Allele origin: germline. Inheritance: Autosomal recessive inheritance. Affected: yes.